The following is an entry in ClinVar:

NM_001278512.2(AP3B2):c.2278G>A (p.Asp760Asn)

Genes: AP3B2 (adaptor related protein complex 3 subunit beta 2; minus strand), CPEB1-AS1 (CPEB1 antisense RNA 1; plus strand). Cytogenetic location: 15q25.2.
Variant type: single nucleotide variant.
Coding change: c.2278G>A on transcript NM_001278512.2 (MANE Select); coding-DNA position 2278, G replaced by A.
Protein change: p.Asp760Asn; replaces aspartic acid 760 with asparagine.
Molecular consequence: missense variant.
Genome position (GRCh38, 1-based): chr15:82,663,959, C>T on the plus strand (G>A on the coding strand, the complement: AP3B2 is on the minus strand). VCF-style: chr15-82663959-C-T. GRCh37 (hg19) VCF-style: chr15-83332711-C-T.
Other names: c.2125G>A, p.Asp709Asn (NM_001278511.2); c.2221G>A, p.Asp741Asn (NM_004644.5); short protein forms D709N, D760N, D741N.
Identifiers: ClinVar variation 1403336 (VCV001403336.6), dbSNP rs555152768, ClinGen allele CA7699958.
Genomic context (GRCh38, chr15:82,663,959, plus strand): 5'-CAGAGGATGACGCTTCTCCTTTTCTCTCTGGCACCTTCTTCTTTGTCTTCCTCTTACCAT[C>T]CTCCTCACTCTGTTCACTGAAGGAGTGGGAAAGGTTGGCTCAGGCCTGGCCTGGACACTC-3'
Protein context (NP_001265441.1, residues 750-770): RGSESEQSEE[Asp760Asn]GKRKTKKKVP

ClinVar aggregate classification (germline): Uncertain significance (1 of 4 stars; one submission).

Allele frequency attached by ClinVar (database versions not stated): gnomAD exomes 0.00001 and 0.00002; ExAC 0.00004; TOPMed 0.00004; gnomAD 0.00005.
gnomAD v4.1: 10 of 1,604,678 alleles (0.00062%); highest among the groups gnomAD compares: African/African-American, 0.012%; no homozygotes.

Submission:

Labcorp Genetics (formerly Invitae), Labcorp
Classification: Uncertain significance. Last evaluated: 2026-01-12. Review status: criteria provided, single submitter. Criteria: Invitae Variant Classification Sherloc (09022015). Collection method: clinical testing. Allele origin: germline.
Comment: This sequence change replaces aspartic acid, which is acidic and polar, with asparagine, which is neutral and polar, at codon 741 of the AP3B2 protein (p.Asp741Asn). This variant is present in population databases (rs555152768, gnomAD 0.02%). This variant has not been reported in the literature in individuals affected with AP3B2-related conditions. ClinVar contains an entry for this variant (Variation ID: 1403336). An algorithm developed to predict the effect of missense changes on protein structure and function (PolyPhen-2) suggests that this variant is likely to be disruptive. In summary, the available evidence is currently insufficient to determine the role of this variant in disease. Therefore, it has been classified as a Variant of Uncertain Significance.